The following is an entry in ClinVar:

NM_001282860.2(GON4L):c.1512T>C (p.Val504=)

Gene: GON4L (gon-4 like; minus strand). Cytogenetic location: 1q22.
Variant type: single nucleotide variant.
Coding change: c.1512T>C on transcript NM_001282860.2 (MANE Select); coding-DNA position 1512, T replaced by C.
Protein change: p.Val504=; no amino-acid change (valine 504 retained).
Molecular consequence: synonymous variant.
Genome position (GRCh38, 1-based): chr1:155,805,082, A>G on the plus strand (T>C on the coding strand, the complement: GON4L is on the minus strand). VCF-style: chr1-155805082-A-G. GRCh37 (hg19) VCF-style: chr1-155774873-A-G.
Other names: c.1512T>C, p.Val504= (NM_001282856.2, NM_001282858.2, NM_001282861.2 and 1 more transcripts).
Identifiers: ClinVar variation 3057948 (VCV003057948.2), dbSNP rs200801519, ClinGen allele CA1151109.

ClinVar aggregate classification (germline): Likely benign (0 of 4 stars; one submission).

Conditions:
GON4L-related disorder. Also called: GON4L-related condition.

Allele frequency attached by ClinVar (database versions not stated): ExAC 0.00019; gnomAD 0.00019; 1000 Genomes Project 0.00020; ESP Exome Variant Server 0.00023; gnomAD exomes 0.00025; TOPMed 0.00025; 1000 Genomes Project 30x 0.00031.
gnomAD v4.1: 387 of 1,613,602 alleles (0.024%); highest among the groups gnomAD compares: Middle Eastern, 0.082%; 1 homozygote.

Submission:

PreventionGenetics, part of Exact Sciences
Classification: Likely benign for GON4L-related condition. Last evaluated: 2019-04-12. Review status: no assertion criteria provided. Collection method: clinical testing. Allele origin: germline.
Comment: This variant is classified as likely benign based on ACMG/AMP sequence variant interpretation guidelines (Richards et al. 2015 PMID: 25741868, with internal and published modifications).